The following is an entry in ClinVar:

NM_006030.4(CACNA2D2):c.1297T>G (p.Tyr433Asp)

Gene: CACNA2D2 (calcium voltage-gated channel auxiliary subunit alpha2delta 2; minus strand). Cytogenetic location: 3p21.31.
Variant type: single nucleotide variant.
Coding change: c.1297T>G on transcript NM_006030.4 (MANE Select); coding-DNA position 1297, T replaced by G.
Protein change: p.Tyr433Asp; replaces tyrosine 433 with aspartic acid.
Molecular consequence: missense variant.
Genome position (GRCh38, 1-based): chr3:50,378,957, A>C on the plus strand (T>G on the coding strand, the complement: CACNA2D2 is on the minus strand). VCF-style: chr3-50378957-A-C. GRCh37 (hg19) VCF-style: chr3-50416388-A-C.
Other names: c.1297T>G, p.Tyr433Asp (NM_001005505.3, NM_001174051.3, NM_001410768.1); c.1090T>G, p.Tyr364Asp (NM_001291101.1); short protein forms Y364D, Y433D.
Identifiers: ClinVar variation 2005941 (VCV002005941.4), dbSNP rs2471027523, ClinGen allele CA352931352.
Genomic context (GRCh38, chr3:50,378,957, plus strand): 5'-GATGCGCAGGGGAGGTACCTTTGTTGGCACAGGCCATCCACTGCAGCGGTGTGACGTCAT[A>C]GTTATGCTGCCCCACGGAGAAAGTAAACACGCGCACCTGTGGGGGGTTTGAGGTTACTGC-3'
Protein context (NP_006021.2, residues 423-443): VFTFSVGQHN[Tyr433Asp]DVTPLQWMAC

ClinVar aggregate classification (germline): Uncertain significance (1 of 4 stars; one submission).

Conditions:
Early-infantile DEE. Also called: Early infantile epileptic encephalopathy; Ohtahara syndrome; Early infantile epileptic encephalopathy with suppression bursts. Identifiers: Orphanet 1934, MedGen C0393706, MONDO:0800491.

Submission:

Labcorp Genetics (formerly Invitae), Labcorp
Classification: Uncertain significance for Early-infantile DEE. Last evaluated: 2022-06-13. Review status: criteria provided, single submitter. Criteria: Invitae Variant Classification Sherloc (09022015). Collection method: clinical testing. Allele origin: germline.
Comment: Algorithms developed to predict the effect of missense changes on protein structure and function are either unavailable or do not agree on the potential impact of this missense change (SIFT: "Deleterious"; PolyPhen-2: "Possibly Damaging"; Align-GVGD: "Class C0"). In summary, the available evidence is currently insufficient to determine the role of this variant in disease. Therefore, it has been classified as a Variant of Uncertain Significance. This variant has not been reported in the literature in individuals affected with CACNA2D2-related conditions. This variant is not present in population databases (gnomAD no frequency). This sequence change replaces tyrosine, which is neutral and polar, with aspartic acid, which is acidic and polar, at codon 433 of the CACNA2D2 protein (p.Tyr433Asp).